The following is an entry in ClinVar:

ClinVar aggregate classification (germline): Uncertain significance (1 of 4 stars; one submission).

Conditions:
Joubert syndrome 21 (JBTS21). Identifiers: MedGen C3810212, MONDO:0014288, OMIM 615636.

Submission:

Labcorp Genetics (formerly Invitae), Labcorp
Classification: Uncertain significance for Joubert syndrome 21. Last evaluated: 2022-07-19. Review status: criteria provided, single submitter. Criteria: Invitae Variant Classification Sherloc (09022015). Collection method: clinical testing. Allele origin: germline.
Comment: In summary, the available evidence is currently insufficient to determine the role of this variant in disease. Therefore, it has been classified as a Variant of Uncertain Significance. Algorithms developed to predict the effect of sequence changes on RNA splicing suggest that this variant may create or strengthen a splice site. Algorithms developed to predict the effect of missense changes on protein structure and function are either unavailable or do not agree on the potential impact of this missense change (SIFT: "Deleterious"; PolyPhen-2: "Benign"; Align-GVGD: "Class C0"). ClinVar contains an entry for this variant (Variation ID: 1350656). This variant has not been reported in the literature in individuals affected with CSPP1-related conditions. This variant is not present in population databases (gnomAD no frequency). This sequence change replaces leucine, which is neutral and non-polar, with valine, which is neutral and non-polar, at codon 795 of the CSPP1 protein (p.Leu795Val).

NM_001382391.1(CSPP1):c.2398C>G (p.Leu800Val)

Gene: CSPP1 (centrosome and spindle pole associated protein 1; plus strand). Cytogenetic location: 8q13.2.
Variant type: single nucleotide variant.
Coding change: c.2398C>G on transcript NM_001382391.1 (MANE Select); coding-DNA position 2398, C replaced by G.
Protein change: p.Leu800Val; replaces leucine 800 with valine.
Molecular consequence: missense variant.
Genome position (GRCh38, 1-based): chr8:67,158,997, C>G. VCF-style: chr8-67158997-C-G. GRCh37 (hg19) VCF-style: chr8-68071232-C-G.
Other names: c.1348C>G, p.Leu450Val (NM_001291339.2); c.2317C>G, p.Leu773Val (NM_001363131.2); c.2203C>G, p.Leu735Val (NM_001363132.2); c.2122C>G, p.Leu708Val (NM_001363133.2); c.2464C>G, p.Leu822Val (NM_001364869.1); c.2284C>G, p.Leu762Val (NM_001364870.1); c.2383C>G, p.Leu795Val (NM_024790.7); short protein forms L708V, L795V, L800V, L822V, L735V, L773V, L450V, L762V.
Identifiers: ClinVar variation 1350656 (VCV001350656.6), dbSNP rs2129560252, ClinGen allele CA371189512.
Genomic context (GRCh38, chr8:67,158,997, plus strand): 5'-GAATGTACTATAGAAGGAATATATGGAATGCATATTTCTCTTTTTATTTTAAAGCAAAGG[C>G]TAAAAAATGAAGAGCATATTCGGTTAGCTGAAGAAAGACAAAAAGAAGCAGAAAGAAAGA-3'
Protein context (NP_001369320.1, residues 790-810): KKREKEEEQR[Leu800Val]KNEEHIRLAE